The following is an entry in ClinVar:

NM_005045.4(RELN):c.10182-11G>A

Genes: RELN (reelin; minus strand), SLC26A5-AS1 (SLC26A5 antisense RNA 1; plus strand). Cytogenetic location: 7q22.1.
Variant type: single nucleotide variant.
Coding change: c.10182-11G>A on transcript NM_005045.4 (MANE Select); 11 bases into the intron before coding-DNA position 10182, G replaced by A.
Molecular consequence: intron variant.
Genome position (GRCh38, 1-based): chr7:103,482,982, C>T on the plus strand (G>A on the coding strand, the complement: RELN is on the minus strand). VCF-style: chr7-103482982-C-T. GRCh37 (hg19) VCF-style: chr7-103123429-C-T.
Other names: c.10182-11G>A (NM_173054.3).
Identifiers: ClinVar variation 358377 (VCV000358377.18), dbSNP rs57844600, ClinGen allele CA4420018.
Genomic context (GRCh38, chr7:103,482,982, plus strand): 5'-TGTGGCGTGGTTGCCACCAGCGCAGTAAGACTCCTTTCATCCGTGCCTCCCTGGGTCACA[C>T]ACAGAAGGACAAAGAAGTTATACATTAGGAAACAGAACTTTTTGGTATTTGACTTCTAGA-3'

ClinVar aggregate classification (germline): Benign. Review status: criteria provided, multiple submitters, no conflicts (2 of 4 stars). 7 submissions from 7 submitters: Benign (4). 3 of the submissions do not count toward it. Last evaluated 2026-02-03.

Conditions:
Norman-Roberts syndrome (LIS2). Also called: Lissencephaly 2 (Norman-Roberts type). Identifiers: Orphanet 89844, MedGen C0796089, MONDO:0009760, OMIM 257320.
Familial temporal lobe epilepsy 7. Identifiers: Orphanet 101046, MedGen C4225327, MONDO:0014639, OMIM 616436.

Allele frequency attached by ClinVar (database versions not stated): gnomAD exomes 0.00155 and 0.00409; ExAC 0.00510; gnomAD 0.01520 and 0.01613; TOPMed 0.01701; ESP Exome Variant Server 0.01753; 1000 Genomes Project 0.01977; 1000 Genomes Project 30x 0.02202.
gnomAD v4.1: 4,672 of 1,611,110 alleles (0.29%); highest among the groups gnomAD compares: African/African-American, 5.4%; 135 homozygotes.

Submissions (10):

Labcorp Genetics (formerly Invitae), Labcorp
Classification: Benign for Familial temporal lobe epilepsy 7; Norman-Roberts syndrome. Last evaluated: 2026-02-03. Review status: criteria provided, single submitter. Criteria: Invitae Variant Classification Sherloc (09022015). Collection method: clinical testing. Allele origin: germline.

Illumina Laboratory Services, Illumina
Classification: Benign for Norman-Roberts syndrome. Last evaluated: 2018-01-12. Review status: criteria provided, single submitter. Criteria: ICSL Variant Classification Criteria 13 December 2019. Collection method: clinical testing. Allele origin: germline.
Comment: This variant was observed in the ICSL laboratory as part of a predisposition screen in an ostensibly healthy population. It had not been previously curated by ICSL or reported in the Human Gene Mutation Database (HGMD: prior to June 1st, 2018), and was therefore a candidate for classification through an automated scoring system. Utilizing variant allele frequency, disease prevalence and penetrance estimates, and inheritance mode, an automated score was calculated to assess if this variant is too frequent to cause the disease. Based on the score and internal cut-off values, a variant classified as benign is not then subjected to further curation. The score for this variant resulted in a classification of benign for this disease.

GeneDx
Classification: Benign. Last evaluated: 2015-03-03. Review status: criteria provided, single submitter. Criteria: GeneDx Variant Classification Process June 2021. Collection method: clinical testing. Allele origin: germline. Affected: yes.

Breakthrough Genomics
Classification: Benign. Review status: criteria provided, single submitter. Criteria: ACMG Guidelines, 2015. Collection method: not provided. Allele origin: germline. Inheritance: Autosomal recessive inheritance. Affected: yes.

Clinical Genetics DNA and cytogenetics Diagnostics Lab, Erasmus MC, Erasmus Medical Center
Classification: Benign. Review status: no assertion criteria provided. Collection method: clinical testing. Allele origin: germline. Affected: yes. Study: VKGL Data-share Consensus. Not counted in ClinVar's aggregate classification.

Clinical Genetics, Academic Medical Center
Classification: Benign. Review status: no assertion criteria provided. Collection method: clinical testing. Allele origin: germline. Affected: yes. Study: VKGL Data-share Consensus. Not counted in ClinVar's aggregate classification.

Diagnostic Laboratory, Department of Genetics, University Medical Center Groningen
Classification: Benign for Norman-Roberts syndrome. Review status: no assertion criteria provided. Collection method: clinical testing. Allele origin: germline. Affected: yes. Study: VKGL Data-share Consensus. Not counted in ClinVar's aggregate classification.

Dr. Peter K. Rogan Lab, Western University
No classification provided (evidence only). Condition: Lung cancer. Review status: no classification provided. Collection method: in vitro. Allele origin: not applicable. Functional consequence: retained intron. Not counted in ClinVar's aggregate classification.

Dr. Peter K. Rogan Lab, Western University
No classification provided (evidence only). Condition: Cervical cancer. Review status: no classification provided. Collection method: in vitro. Allele origin: not applicable. Functional consequence: retained intron. Not counted in ClinVar's aggregate classification.

Dr. Peter K. Rogan Lab, Western University
No classification provided (evidence only). Condition: Thymoma. Review status: no classification provided. Collection method: in vitro. Allele origin: not applicable. Functional consequence: retained intron. Not counted in ClinVar's aggregate classification.